The following is an entry in ClinVar:

NM_031427.4(DNAL1):c.23_24del (p.Lys8fs)

Gene: DNAL1 (dynein axonemal light chain 1; plus strand). Cytogenetic location: 14q24.3.
Variant type: Deletion.
Coding change: c.23_24del on transcript NM_031427.4 (MANE Select); coding-DNA positions 23 to 24, 2 bases deleted (AA; older notation c.23_24delAA).
Protein change: p.Lys8fs; shifts the reading frame from lysine 8.
Molecular consequence: frameshift variant. On other transcripts: 5 prime UTR variant (1).
Genome position (GRCh38, 1-based): chr14:73,654,866-73,654,867, AA deleted; deleting any 2 consecutive bases within chr14:73,654,865-73,654,867 gives the same sequence; the c. name uses the placement nearest the transcript's 3' end. VCF-style (leftmost placement, unchanged base first): chr14-73654864-CAA-C. GRCh37 (hg19) VCF-style: chr14-74121567-CAA-C.
Other names: c.-95_-94del (NM_001201366.2); short protein forms K8fs.
Identifiers: ClinVar variation 2671843 (VCV002671843.2), dbSNP rs746219926, ClinGen allele CA7261398.

ClinVar aggregate classification (germline): Pathogenic (1 of 4 stars; one submission).

Conditions:
Primary ciliary dyskinesia. Also called: Ciliary dyskinesia. Identifiers: Orphanet 244, MedGen C0008780, MONDO:0016575, HP:0012265.

Submission:

Institute Of Molecular Biology And Genetics, Federal Almazov National Medical Research Centre
Classification: Pathogenic for Primary ciliary dyskinesia. Last evaluated: 2023-12-11. Review status: criteria provided, single submitter. Criteria: ACMG Guidelines, 2015. Collection method: clinical testing. Allele origin: germline. Affected: yes. Observed: 2 variant alleles.
Comment: The c.23_24del variant is 2-bp deletion that creates a premature stop signal (p.Lys8Argfs*16) in the DNAL1 gene and is expected to result in an absent or disrupted protein product. It has a low allele frequency in gnomAD Genomes (Version 3.1.2: f= 0.00002), and, to our knowledge, has not been previously described in PCD-patients either in ClinVar, or in the literature. For these reasons, this variant has been classified as Pathogenic.